The following is an entry in ClinVar:

NM_033360.4(KRAS):c.178G>A (p.Gly60Ser)

Gene: KRAS (KRAS proto-oncogene, GTPase; minus strand). Cytogenetic location: 12p12.1.
Variant type: single nucleotide variant.
Coding change: c.178G>A on transcript NM_033360.4 (MANE Plus Clinical); coding-DNA position 178, G replaced by A.
Protein change: p.Gly60Ser; replaces glycine 60 with serine.
Molecular consequence: missense variant.
Genome position (GRCh38, 1-based): chr12:25,227,346, C>T on the plus strand (G>A on the coding strand, the complement: KRAS is on the minus strand). VCF-style: chr12-25227346-C-T. GRCh37 (hg19) VCF-style: chr12-25380280-C-T.
Other names: p.G60S:GGT>AGT; c.178G>A, p.Gly60Ser (LRG_344t1, NM_001369786.1, NM_001369787.1 and 2 more transcripts); short protein forms G60S.
Identifiers: ClinVar variation 12597 (VCV000012597.23), dbSNP rs104894359, ClinGen allele CA256484.

ClinVar aggregate classification (germline): Pathogenic. Review status: criteria provided, multiple submitters, no conflicts (2 of 4 stars). 7 submissions from 7 submitters: Pathogenic (5). 2 of the submissions do not count toward it. Last evaluated 2026-02-20.

Conditions:
Fetal anomalies with a likely genetic cause.
Cardiofaciocutaneous syndrome 2 (CFC2). Also called: KRAS-Related Cardiofaciocutaneous Syndrome. Identifiers: Orphanet 1340, MedGen C3809005, MONDO:0014112, OMIM 615278.
RASopathy. Also called: rasopathies; Noonan spectrum disorder. Identifiers: Orphanet 536391, MedGen C5555857, MONDO:0021060.
Noonan syndrome 3 (NS3). Also called: KRAS-Related Noonan Syndrome. Identifiers: Orphanet 648, MedGen C1860991, MONDO:0012371, OMIM 609942.

Submissions (7):

Genetics Laboratory, Great Ormond Street Hospital NHS Foundation Trust, North Thames Genomic Laboratory Hub
Classification: Pathogenic for Fetal anomalies with a likely genetic cause. Last evaluated: 2026-02-20. Review status: criteria provided, single submitter. Criteria: ACGS Best Practice Guidelines for Variant Classification in Rare Disease 2024 v1.2. Collection method: clinical testing. Allele origin: germline. Affected: yes.
Comment: PM2_moderate, PP3_supporting, PM5_strong, PS2_very-strong

Labcorp Genetics (formerly Invitae), Labcorp
Classification: Pathogenic for RASopathy. Last evaluated: 2024-03-29. Review status: criteria provided, single submitter. Criteria: Invitae Variant Classification Sherloc (09022015). Collection method: clinical testing. Allele origin: germline.
Comment: This sequence change replaces glycine, which is neutral and non-polar, with serine, which is neutral and polar, at codon 60 of the KRAS protein (p.Gly60Ser). This variant is not present in population databases (gnomAD no frequency). This missense change has been observed in individual(s) with Noonan syndrome (PMID: 19396835, 30732632). In at least one individual the variant was observed to be de novo. ClinVar contains an entry for this variant (Variation ID: 12597). Advanced modeling performed at Invitae incorporating data from internal and/or published experimental studies (Invitae) indicates that this missense variant is expected to disrupt KRAS function with a positive predictive value of 95%. This variant disrupts the p.Gly60 amino acid residue in KRAS. Other variant(s) that disrupt this residue have been determined to be pathogenic (PMID: 16474404, 26242988, 28650561). This suggests that this residue is clinically significant, and that variants that disrupt this residue are likely to be disease-causing. For these reasons, this variant has been classified as Pathogenic.

GeneDx
Classification: Pathogenic. Last evaluated: 2022-11-25. Review status: criteria provided, single submitter. Criteria: GeneDx Variant Classification Process June 2021. Collection method: clinical testing. Allele origin: germline. Affected: yes.
Comment: Not observed in large population cohorts (gnomAD); In silico analysis supports that this missense variant has a deleterious effect on protein structure/function; Missense variants in this gene are often considered pathogenic (HGMD); This variant is associated with the following publications: (PMID: 24803665, 28639239, 19396835, 30732632, 31219622, 35441720)

Dasa
Classification: Pathogenic for Noonan syndrome 3. Last evaluated: 2022-03-25. Review status: criteria provided, single submitter. Criteria: ACMG Guidelines, 2015. Collection method: clinical testing. Allele origin: germline. Affected: yes. Observed: 1 variant allele.
Comment: The c.178G>A;p.(Gly60Ser) missense change has been observed in affected individual(s) and ClinVar contains an entry for this variant (ClinVar ID: 12597; PMID: 19396835) -PS4. The variant is located in a mutational hot spot and/or critical and well-established functional domain (RAS) - PM1. This variant is not present in population databases (rs104894359- gnomAD; ABraOM no frequency.) - PM2. Pathogenic missense variant in this residue have been reported (ClinVar ID: 12586) - PM5. The variant was assumed de novo, but without confirmation of paternity and maternity (PMID: 19396835) - PM6. Missense variant in KRAS that has a low rate of benign missense variation and in which missense variants are a common mechanism of disease - PP2. Multiple lines of computational evidence support a deleterious effect on the gene or gene product - PP3. In summary, the currently available evidence indicates that the variant is pathogenic

Victorian Clinical Genetics Services, Murdoch Childrens Research Institute
Classification: Pathogenic for Cardiofaciocutaneous syndrome 2. Last evaluated: 2019-08-28. Review status: criteria provided, single submitter. Criteria: ACMG Guidelines, 2015. Collection method: clinical testing. Allele origin: germline. Inheritance: Autosomal dominant inheritance. Affected: yes.
Comment: A heterozygous missense variant, NM_004985.4(KRAS):c.178G>A, has been identified in exon 3 of 5 of the KRAS gene. The variant is predicted to result in a minor amino acid change from glycine to serine at position 60 of the protein (NP_004976.2(KRAS):p.(Gly60Ser)). The glycine residue at this position has very high conservation (100 vertebrates, UCSC) and is known as a mutational hotspot for Noonan syndrom and related disorders that locates within the critical binding and interaction site of Ras domain (Gremer, L. et al. (2011)). In silico predictions for this variant are consistently pathogenic (Polyphen, SIFT, CADD, Mutation Taster). The variant is absent in population databases (gnomAD). The variant has been previously described as a known pathogenic variant in multiple patients with Noonan syndrome (ClinVar, Kratz, CP. et al. (2009), Leung, GKC. et al. (2018), Chen, H. et al. (2019)). Multiple variants in the same codon resulting in various changes have also been reported as pathogenic (ClinVar, Zenker, M. et al. (2007), Nosan, G. et al. (2013), Chen, H. et al. (2019)). Based on the information available at the time of curation, this variant has been classified as PATHOGENIC.

Prenatal Genetic Diagnosis Laboratory, The Chinese University of Hong Kong
Classification: Pathogenic for Noonan syndrome 3. Last evaluated: 2021-07-05. Review status: no assertion criteria provided. Collection method: clinical testing. Allele origin: de novo. Affected: yes. Not counted in ClinVar's aggregate classification.
Comment: This variant c.178G>A(p.G60S) was previously reported to be de novo in a patient with Noonan syndrome [PMID:19396835] (PS2). The p.Gly60 amino acid residue in KRAS has been determined to be clinically significant and confirmed by functional studies [PMID: 16474404, 20949621, 26242988, 28650561] (PM1). The variant is absent in the gnomAD database (PM2). Computational evidence support a deleterious effect on the gene product (PP3) .This variant has been classified as pathogenic by multiple labs in ClinVar [Variation ID: 12597] (PP5). This variant c.178G>A(p.G60S) is interpreted as pathogenic according to ACMG/AMP guidelines.

OMIM
Classification: Pathogenic for NOONAN SYNDROME 3. Last evaluated: 2009-05-01. Review status: no assertion criteria provided. Collection method: literature only. Allele origin: germline. Not counted in ClinVar's aggregate classification.

Literature cited by the submitters: PubMed 19396835 (cited by 3 submitters); PubMed 30732632 (cited by Labcorp Genetics (formerly Invitae), Labcorp); PubMed 16474404 (cited by Labcorp Genetics (formerly Invitae), Labcorp); PubMed 26242988 (cited by Labcorp Genetics (formerly Invitae), Labcorp); PubMed 28650561 (cited by Labcorp Genetics (formerly Invitae), Labcorp); DOI doi/10.1002/pd.6151 (cited by Prenatal Genetic Diagnosis Laboratory, The Chinese University of Hong Kong).